The following is an entry in ClinVar:

ClinVar aggregate classification (germline): Uncertain significance (1 of 4 stars; one submission).

Conditions:
DOCK2 deficiency. Also called: Immunodeficiency 40. Identifiers: Orphanet 447737, MedGen C4225328, MONDO:0014637, OMIM 616433.

Allele frequency attached by ClinVar (database versions not stated): gnomAD exomes below 0.00001.
gnomAD v4.1: 1 of 1,613,946 alleles (0.000062%); highest among the groups gnomAD compares: Non-Finnish European, 0.000085%; no homozygotes.

Submission:

Labcorp Genetics (formerly Invitae), Labcorp
Classification: Uncertain significance for DOCK2 deficiency. Last evaluated: 2020-11-18. Review status: criteria provided, single submitter. Criteria: Invitae Variant Classification Sherloc (09022015). Collection method: clinical testing. Allele origin: germline.
Comment: In summary, the available evidence is currently insufficient to determine the role of this variant in disease. Therefore, it has been classified as a Variant of Uncertain Significance. Nucleotide substitutions within the consensus splice site are a relatively common cause of aberrant splicing (PMID: 17576681, 9536098). Algorithms developed to predict the effect of sequence changes on RNA splicing suggest that this variant is not likely to affect RNA splicing, but this prediction has not been confirmed by published transcriptional studies. This variant has not been reported in the literature in individuals with DOCK2-related conditions. This variant is not present in population databases (ExAC no frequency). This sequence change falls in intron 50 of the DOCK2 gene. It does not directly change the encoded amino acid sequence of the DOCK2 protein. It affects a nucleotide within the consensus splice site of the intron.

Literature cited by the submitters: PubMed 17576681; PubMed 9536098.

NM_004946.3(DOCK2):c.5287+6C>T

Gene: DOCK2 (dedicator of cytokinesis 2; plus strand). Cytogenetic location: 5q35.1.
Variant type: single nucleotide variant.
Coding change: c.5287+6C>T on transcript NM_004946.3 (MANE Select); 6 bases into the intron after coding-DNA position 5287, C replaced by T.
Molecular consequence: intron variant.
Genome position (GRCh38, 1-based): chr5:170,080,289, C>T. VCF-style: chr5-170080289-C-T. GRCh37 (hg19) VCF-style: chr5-169507293-C-T.
Identifiers: ClinVar variation 1486326 (VCV001486326.4), dbSNP rs1417411036, ClinGen allele CA564614053.
Genomic context (GRCh38, chr5:170,080,289, plus strand): 5'-GCGTCTGTCCTCTCTCAAATGAGCTTTGCCAGCCAGTCCATGCCTACCATCCCAGGTATG[C>T]CCCCTGCTGCCACCAGCATGAGGGAGTAGAGATAGTGCAGGCCACCAGCCTTGTGGGTGG-3'